The following is an entry in ClinVar:

NM_021135.6(RPS6KA2):c.1161C>T (p.Pro387=)

Gene: RPS6KA2 (ribosomal protein S6 kinase A2; minus strand). Cytogenetic location: 6q27.
Variant type: single nucleotide variant.
Coding change: c.1161C>T on transcript NM_021135.6 (MANE Select); coding-DNA position 1161, C replaced by T.
Protein change: p.Pro387=; no amino-acid change (proline 387 retained).
Molecular consequence: synonymous variant.
Genome position (GRCh38, 1-based): chr6:166,451,148, G>A on the plus strand (C>T on the coding strand, the complement: RPS6KA2 is on the minus strand). VCF-style: chr6-166451148-G-A. GRCh37 (hg19) VCF-style: chr6-166864636-G-A.
Other names: c.1185C>T, p.Pro395= (NM_001006932.3); c.1236C>T, p.Pro412= (NM_001318936.2); c.867C>T, p.Pro289= (NM_001318937.2); c.894C>T, p.Pro298= (NM_001318938.1).
Identifiers: ClinVar variation 2657124 (VCV002657124.24), dbSNP rs764188032, ClinGen allele CA4094129.

ClinVar aggregate classification (germline): Likely benign (1 of 4 stars; one submission).

Allele frequency attached by ClinVar (database versions not stated): ExAC 0.00008; TOPMed 0.00008; gnomAD 0.00011.
gnomAD v4.1: 111 of 1,614,112 alleles (0.0069%); highest among the groups gnomAD compares: Non-Finnish European, 0.0075%; no homozygotes.

Submission:

CeGaT Center for Human Genetics Tuebingen
Classification: Likely benign. Last evaluated: 2023-03-01. Review status: criteria provided, single submitter. Criteria: CeGaT Center For Human Genetics Tuebingen Variant Classification Criteria Version 2. Collection method: clinical testing. Allele origin: germline. Affected: yes. Observed: 1 variant allele.
Comment: RPS6KA2: BP4, BP7